The following is an entry in ClinVar:

NM_001267550.2(TTN):c.106906G>A (p.Val35636Met)

Genes: TTN (titin; minus strand), TTN-AS1 (TTN antisense RNA 1; plus strand). Cytogenetic location: 2q31.2.
Variant type: single nucleotide variant.
Coding change: c.106906G>A on transcript NM_001267550.2 (MANE Select); coding-DNA position 106906, G replaced by A.
Protein change: p.Val35636Met; replaces valine 35636 with methionine.
Molecular consequence: missense variant.
Genome position (GRCh38, 1-based): chr2:178,528,845, C>T on the plus strand (G>A on the coding strand, the complement: TTN is on the minus strand). VCF-style: chr2-178528845-C-T. GRCh37 (hg19) VCF-style: chr2-179393572-C-T.
Other names: c.101983G>A, p.Val33995Met (NM_001256850.1); c.79711G>A, p.Val26571Met (NM_003319.4); c.99202G>A, p.Val33068Met (NM_133378.4); c.80086G>A, p.Val26696Met (NM_133432.3); c.80287G>A, p.Val26763Met (NM_133437.4); short protein forms V26571M, V26763M, V33068M, V33995M, V26696M, V35636M.
Identifiers: ClinVar variation 1434094 (VCV001434094.9), dbSNP rs751243461, ClinGen allele CA1985028.

ClinVar aggregate classification (germline): Uncertain significance. Review status: criteria provided, multiple submitters, no conflicts (2 of 4 stars). 3 submissions from 3 submitters: Uncertain significance (3). Last evaluated 2025-08-19.

Conditions:
Cardiovascular phenotype. Identifiers: MedGen CN230736.
Autosomal recessive limb-girdle muscular dystrophy type 2J (LGMDR10). Also called: Limb-girdle muscular dystrophy, type 2J; MUSCULAR DYSTROPHY, LIMB-GIRDLE, AUTOSOMAL RECESSIVE 10. Identifiers: Orphanet 140922, MedGen C1837342, MONDO:0012127, OMIM 608807.
Dilated cardiomyopathy 1G (CMD1G). Identifiers: Orphanet 154, MedGen C1858763, MONDO:0011400, OMIM 604145.
Myopathy, myofibrillar, 9, with early respiratory failure (MFM9). Also called: Hereditary myopathy with early respiratory failure; EDSTROM MYOPATHY; MYOPATHY, PROXIMAL, WITH EARLY RESPIRATORY MUSCLE INVOLVEMENT; Myopathy, distal, with early respiratory failure, autosomal dominant. Identifiers: Orphanet 178464, Orphanet 34521, MedGen C1863599, MONDO:0011362, OMIM 603689.
Hypertrophic cardiomyopathy 9. Also called: Familial hypertrophic cardiomyopathy 9. Identifiers: MedGen C1861065, MONDO:0013412, OMIM 613765.
Tibial muscular dystrophy (TMD). Also called: Udd Distal Myopathy – Tibial Muscular Dystrophy; Tibial muscular dystrophy, tardive; UDD MYOPATHY. Identifiers: Orphanet 609, MedGen C1838244, MONDO:0010870, OMIM 600334.
Early-onset myopathy with fatal cardiomyopathy (CMYO5). Also called: Salih Myopathy; CONGENITAL MYOPATHY 5 WITH CARDIOMYOPATHY. Identifiers: Orphanet 289377, MedGen C2673677, MONDO:0012714, OMIM 611705. Disease mechanism: loss of function.

Allele frequency attached by ClinVar (database versions not stated): gnomAD exomes below 0.00001 and 0.00001; ExAC 0.00001; gnomAD 0.00001; TOPMed 0.00001.
gnomAD v4.1: 19 of 1,613,908 alleles (0.0012%); highest among the groups gnomAD compares: Non-Finnish European, 0.0014%; no homozygotes.

Submissions (3):

Labcorp Genetics (formerly Invitae), Labcorp
Classification: Uncertain significance for Dilated cardiomyopathy 1G; Autosomal recessive limb-girdle muscular dystrophy type 2J. Last evaluated: 2025-08-19. Review status: criteria provided, single submitter. Criteria: Invitae Variant Classification Sherloc (09022015). Collection method: clinical testing. Allele origin: germline.
Comment: This sequence change replaces valine, which is neutral and non-polar, with methionine, which is neutral and non-polar, at codon 35636 of the TTN protein (p.Val35636Met). This variant is present in population databases (rs751243461, gnomAD 0.004%). This variant has not been reported in the literature in individuals affected with TTN-related conditions. ClinVar contains an entry for this variant (Variation ID: 1434094). Experimental studies and prediction algorithms are not available or were not evaluated, and the functional significance of this variant is currently unknown. This variant is located in the M band of TTN (PMID: 25589632). Non-truncating variants in this region may be relevant for neuromuscular disorders, but have not been definitively shown to cause cardiomyopathy (PMID: 23975875). In summary, the available evidence is currently insufficient to determine the role of this variant in disease. Therefore, it has been classified as a Variant of Uncertain Significance.

Fulgent Genetics
Classification: Uncertain significance for Tibial muscular dystrophy; Myopathy, myofibrillar, 9, with early respiratory failure; Dilated cardiomyopathy 1G; Autosomal recessive limb-girdle muscular dystrophy type 2J; Early-onset myopathy with fatal cardiomyopathy; Hypertrophic cardiomyopathy 9. Last evaluated: 2021-11-01. Review status: criteria provided, single submitter. Criteria: ACMG Guidelines, 2015. Collection method: clinical testing. Allele origin: unknown.

Ambry Genetics
Classification: Uncertain significance for Cardiovascular phenotype. Last evaluated: 2020-09-16. Review status: criteria provided, single submitter. Criteria: Ambry Variant Classification Scheme 2023. Collection method: clinical testing. Allele origin: germline.
Comment: The p.V26571M variant (also known as c.79711G>A), located in coding exon 187 of the TTN gene, results from a G to A substitution at nucleotide position 79711. The valine at codon 26571 is replaced by methionine, an amino acid with highly similar properties. This amino acid position is highly conserved in available vertebrate species. In addition, the in silico prediction for this alteration is inconclusive. Since supporting evidence is limited at this time, the clinical significance of this alteration remains unclear.

Literature cited by the submitters: PubMed 25589632 (cited by Labcorp Genetics (formerly Invitae), Labcorp); PubMed 23975875 (cited by Labcorp Genetics (formerly Invitae), Labcorp).